The following is an entry in ClinVar:

ClinVar aggregate classification (germline): Uncertain significance. Review status: criteria provided, multiple submitters, no conflicts (2 of 4 stars). 2 submissions from 2 submitters: Uncertain significance (2). Last evaluated 2026-08-06.

Conditions:
Long QT syndrome (LQTS). Identifiers: MedGen C0023976, MeSH D008133, MONDO:0002442. Disease mechanism: loss of function. Inheritance: Various modes of inheritance.

Allele frequency attached by ClinVar (database versions not stated): gnomAD exomes below 0.00001; TOPMed below 0.00001.
gnomAD v4.1: 3 of 1,614,202 alleles (0.00019%); highest among the groups gnomAD compares: East Asian, 0.0045%; no homozygotes.

Submissions (2):

OLLIN Analises Genomicas, OLLIN
Classification: Uncertain significance. Last evaluated: 2026-08-06. Review status: criteria provided, single submitter. Criteria: ACMG Guidelines 2015 PMID 25741868. Collection method: clinical testing. Allele origin: germline.
Comment: This missense variant, located in exon 35 (of 47), has been reported in ClinVar (accession VCV001017929.13) and in gnomAD with an allele frequency of 0.00019%. However, to our knowledge, it has not been reported in the scientific literature. In silico analysis is inconclusive regarding the impact of this variant. This gene is constrained for missense variation. According to the currently available evidence, this variant has been classified as uncertain significance (PM2_P, PP2).

Labcorp Genetics (formerly Invitae), Labcorp
Classification: Uncertain significance for Long QT syndrome. Last evaluated: 2022-07-19. Review status: criteria provided, single submitter. Criteria: Invitae Variant Classification Sherloc (09022015). Collection method: clinical testing. Allele origin: germline.
Comment: This sequence change replaces valine, which is neutral and non-polar, with isoleucine, which is neutral and non-polar, at codon 1453 of the CACNA1C protein (p.Val1453Ile). In summary, the available evidence is currently insufficient to determine the role of this variant in disease. Therefore, it has been classified as a Variant of Uncertain Significance. Algorithms developed to predict the effect of missense changes on protein structure and function (SIFT, PolyPhen-2, Align-GVGD) all suggest that this variant is likely to be tolerated. ClinVar contains an entry for this variant (Variation ID: 1017929). This variant has not been reported in the literature in individuals affected with CACNA1C-related conditions. This variant is present in population databases (no rsID available, gnomAD 0.006%).

NM_000719.7(CACNA1C):c.4357G>A (p.Val1453Ile)

Gene: CACNA1C (calcium voltage-gated channel subunit alpha1 C; plus strand). Cytogenetic location: 12p13.33.
Variant type: single nucleotide variant.
Coding change: c.4357G>A on transcript NM_000719.7 (MANE Select); coding-DNA position 4357, G replaced by A.
Protein change: p.Val1453Ile; replaces valine 1453 with isoleucine.
Molecular consequence: missense variant.
Genome position (GRCh38, 1-based): chr12:2,664,949, G>A. VCF-style: chr12-2664949-G-A. GRCh37 (hg19) VCF-style: chr12-2774115-G-A.
Other names: c.4501G>A, p.Val1501Ile (NM_001129827.2, NM_199460.4); c.4423G>A, p.Val1475Ile (NM_001129829.2); c.4357G>A, p.Val1453Ile (NM_001129830.3, NM_001129833.2, NM_001129834.2 and 7 more transcripts); c.4441G>A, p.Val1481Ile (NM_001129831.2); c.4417G>A, p.Val1473Ile (NM_001129832.2); c.4324G>A, p.Val1442Ile (NM_001129846.2, NM_001167625.2, NM_001129837.2 and 1 more transcripts); c.4408G>A, p.Val1470Ile (NM_001129836.2); c.4318G>A, p.Val1440Ile (NM_001129839.2); and 1 more; short protein forms V1440I, V1442I, V1450I, V1453I, V1470I, V1473I, V1475I, V1481I.
Identifiers: ClinVar variation 1017929 (VCV001017929.14), dbSNP rs1275537466, ClinGen allele CA383375979.